The following is an entry in ClinVar:

ClinVar aggregate classification (germline): Pathogenic (1 of 4 stars; one submission).

Conditions:
Combined deficiency of sialidase AND beta galactosidase (GSL). Also called: NEURAMINIDASE DEFICIENCY WITH BETA-GALACTOSIDASE DEFICIENCY; NEURAMINIDASE/BETA-GALACTOSIDASE EXPRESSION; PPCA DEFICIENCY; PROTECTIVE PROTEIN/CATHEPSIN A DEFICIENCY; Galactosialidosis; CATHEPSIN A DEFICIENCY. Identifiers: Orphanet 351, MedGen C0268233, MONDO:0009737, OMIM 256540.

Submission:

Labcorp Genetics (formerly Invitae), Labcorp
Classification: Pathogenic for Combined deficiency of sialidase AND beta galactosidase. Last evaluated: 2024-03-15. Review status: criteria provided, single submitter. Criteria: Invitae Variant Classification Sherloc (09022015). Collection method: clinical testing. Allele origin: germline.
Comment: This sequence change creates a premature translational stop signal (p.Tyr185*) in the CTSA gene. It is expected to result in an absent or disrupted protein product. Loss-of-function variants in CTSA are known to be pathogenic (PMID: 15110321, 23915561). This variant is not present in population databases (gnomAD no frequency). This variant has not been reported in the literature in individuals affected with CTSA-related conditions. For these reasons, this variant has been classified as Pathogenic.

Literature cited by the submitters: PubMed 15110321; PubMed 23915561.

NM_000308.4(CTSA):c.501C>G (p.Tyr167Ter)

Gene: CTSA (cathepsin A; plus strand). Cytogenetic location: 20q13.12.
Variant type: single nucleotide variant.
Coding change: c.501C>G on transcript NM_000308.4 (MANE Select); coding-DNA position 501, C replaced by G.
Protein change: p.Tyr167Ter; replaces tyrosine 167 with a stop codon.
Molecular consequence: nonsense. On other transcripts: non-coding transcript variant (1).
Genome position (GRCh38, 1-based): chr20:45,892,781, C>G. VCF-style: chr20-45892781-C-G. GRCh37 (hg19) VCF-style: chr20-44521420-C-G.
Other names: c.501C>G, p.Tyr167Ter (NM_001127695.3); c.450C>G, p.Tyr150Ter (NM_001167594.3); short protein forms Y150*, Y167*.
Identifiers: ClinVar variation 3644356 (VCV003644356.2).